The following is an entry in ClinVar:

ClinVar aggregate classification (germline): Likely benign (1 of 4 stars; one submission).

Conditions:
Complex neurodevelopmental disorder. Identifiers: Orphanet 528084, MedGen C5568766, MONDO:0100038.

gnomAD v4.1: 1 of 1,613,464 alleles (0.000062%); no homozygotes.

Submission:

Centre for Medical Genetics,  Mumbai
Classification: Likely benign for Complex neurodevelopmental disorder. Last evaluated: 2026-04-07. Review status: criteria provided, single submitter. Criteria: ACMG Guidelines, 2015. Collection method: provider interpretation. Allele origin: germline. Inheritance: Autosomal dominant inheritance. Affected: no. Observed: 1 variant allele, 1 heterozygote.
Comment: The variant satisfies PM2 criteria - extremely low frequency in gnomAD population databases. The variant satisfies PP2 criteria - missense variant in a gene with low rate of benign missense mutations and for which missense mutation is a common mechanism of a disease. However, the variant satisfies BS2 criteria - present in heterozygous state in an individual that clinically does not have complex neurodevelopmental disorder.

Literature cited by the submitters: DOI 10.1016/j.gim.2025.101555.

NM_003400.4(XPO1):c.506T>A (p.Val169Glu)

Gene: XPO1 (exportin 1; minus strand). Cytogenetic location: 2p15.
Variant type: single nucleotide variant.
Coding change: c.506T>A on transcript NM_003400.4 (MANE Select); coding-DNA position 506, T replaced by A.
Protein change: p.Val169Glu; replaces valine 169 with glutamic acid.
Molecular consequence: missense variant.
Genome position (GRCh38, 1-based): chr2:61,499,797, A>T on the plus strand (T>A on the coding strand, the complement: XPO1 is on the minus strand). VCF-style: chr2-61499797-A-T. GRCh37 (hg19) VCF-style: chr2-61726932-A-T.
Other names: c.506T>A, p.Val169Glu (NM_001410799.1); short protein forms V169E.
Identifiers: ClinVar variation 4851330 (VCV004851330.1).
Genomic context (GRCh38, chr2:61,499,797, plus strand): 5'-ACTTGGGTTATCTGTCCACTAGAGAAATCAAATACTTCTTCACTCAAGAGTTTAAGAATC[A>T]CCATATTATTTTGACAGAGACTTTCGCTGGTCCTACTTGCTCCAACAATATCACTGATAA-3'
Protein context (NP_003391.1, residues 159-179): TSESLCQNNM[Val169Glu]ILKLLSEEVF